The following is an entry in ClinVar:

ClinVar aggregate classification (germline): Uncertain significance (1 of 4 stars; one submission).

Conditions:
Neurodevelopmental disorder. Identifiers: MedGen C1535926, MeSH D065886, MONDO:0700092.

Submission:

Mendelics
Classification: Uncertain significance for Neurodevelopmental disorder. Last evaluated: 2026-03-28. Review status: criteria provided, single submitter. Criteria: ACMG Guidelines, 2015. Collection method: clinical testing. Allele origin: unknown.
Comment: The available evidence is insufficient to conclusively determine the role of this variant. Therefore, it is classified as a Variant of Uncertain Significance.

Single allele

Gene: CTNND2 (catenin delta 2; minus strand). Cytogenetic location: 5p15.2.
Variant type: Deletion.
Identifiers: ClinVar variation 4820245 (VCV004820245.1).